The following is an entry in ClinVar:

NM_015272.5(RPGRIP1L):c.3428C>G (p.Thr1143Ser)

Gene: RPGRIP1L (RPGRIP1 like; minus strand). Cytogenetic location: 16q12.2.
Variant type: single nucleotide variant.
Coding change: c.3428C>G on transcript NM_015272.5 (MANE Select); coding-DNA position 3428, C replaced by G.
Protein change: p.Thr1143Ser; replaces threonine 1143 with serine.
Molecular consequence: missense variant. On other transcripts: intron variant (2).
Genome position (GRCh38, 1-based): chr16:53,622,223, G>C on the plus strand (C>G on the coding strand, the complement: RPGRIP1L is on the minus strand). VCF-style: chr16-53622223-G-C. GRCh37 (hg19) VCF-style: chr16-53656135-G-C.
Other names: p.T1143S:ACC>AGC; c.3326C>G, p.Thr1109Ser (NM_001330538.2); c.3193-3015C>G (NM_001127897.4); c.3295-3015C>G (NM_001308334.3); short protein forms T1143S, T1109S.
Identifiers: ClinVar variation 95692 (VCV000095692.29), dbSNP rs111775292, ClinGen allele CA148758.

ClinVar aggregate classification (germline): Benign/Likely benign. Review status: criteria provided, multiple submitters, no conflicts (2 of 4 stars). 14 submissions from 11 submitters: Benign (12); Likely benign (1). 1 of the submissions does not count toward it. Last evaluated 2026-05-30.

Conditions:
Joubert syndrome. Also called: Familial aplasia of the vermis; JOUBERT-BOLTSHAUSER SYNDROME. Identifiers: Orphanet 475, MedGen C5979921, MONDO:0018772.
Meckel-Gruber syndrome. Also called: Dysencephalia splachnocystica; DYSENCEPHALIA SPLANCHNOCYSTICA; GRUBER SYNDROME. Identifiers: Orphanet 564, MedGen C0265215, MONDO:0018921.
Meckel syndrome, type 5 (MKS5). Identifiers: Orphanet 564, MedGen C1969052, MONDO:0012695, OMIM 611561.
Nephronophthisis 8. Identifiers: MedGen CN119610.
Joubert syndrome 7 (JBTS7). Identifiers: Orphanet 220497, MedGen C1969053, MONDO:0012694, OMIM 611560.

Allele frequency attached by ClinVar (database versions not stated): 1000 Genomes Project 30x 0.13304; 1000 Genomes Project 0.13698; ExAC 0.22552; gnomAD 0.14245 and 0.14328; TOPMed 0.14001.
gnomAD v4.1: 90,963 of 661,030 alleles (14%); highest among the groups gnomAD compares: Middle Eastern, 19%; 6,724 homozygotes.

Submissions (14):

Women's Health and Genetics/Laboratory Corporation of America, LabCorp
Classification: Likely benign. Last evaluated: 2026-05-30. Review status: criteria provided, single submitter. Criteria: LabCorp Variant Classification Summary - May 2015. Collection method: clinical testing. Allele origin: germline.

Labcorp Genetics (formerly Invitae), Labcorp
Classification: Benign for Joubert syndrome; Meckel-Gruber syndrome. Last evaluated: 2026-02-04. Review status: criteria provided, single submitter. Criteria: Invitae Variant Classification Sherloc (09022015). Collection method: clinical testing. Allele origin: germline.

Blueprint Genetics
Classification: Benign. Last evaluated: 2024-11-27. Review status: criteria provided, single submitter. Criteria: ACMG Guidelines, 2015. Collection method: clinical testing. Allele origin: germline.

Mayo Clinic Laboratories, Mayo Clinic
Classification: Benign. Last evaluated: 2022-03-24. Review status: criteria provided, single submitter. Criteria: ACMG Guidelines, 2015. Collection method: clinical testing. Allele origin: germline. Observed: 109 variant alleles.

Genome-Nilou Lab
Classification: Benign for Joubert syndrome 7. Last evaluated: 2021-07-10. Review status: criteria provided, single submitter. Criteria: ACMG Guidelines, 2015. Collection method: clinical testing. Allele origin: germline. Affected: no.

Genome-Nilou Lab
Classification: Benign for Meckel syndrome, type 5. Last evaluated: 2021-07-10. Review status: criteria provided, single submitter. Criteria: ACMG Guidelines, 2015. Collection method: clinical testing. Allele origin: germline. Affected: no.

Eurofins Ntd Llc (ga)
Classification: Benign. Last evaluated: 2018-08-09. Review status: criteria provided, single submitter. Criteria: EGL ClinVar v180209 classification definitions. Collection method: clinical testing. Allele origin: germline. Observed: 41 variant alleles, 36 heterozygotes, 5 homozygotes.

Illumina Laboratory Services, Illumina
Classification: Benign for Nephronophthisis 8. Last evaluated: 2018-01-12. Review status: criteria provided, single submitter. Criteria: ICSL Variant Classification Criteria 13 December 2019. Collection method: clinical testing. Allele origin: germline.
Comment: This variant was observed in the ICSL laboratory as part of a predisposition screen in an ostensibly healthy population. It had not been previously curated by ICSL or reported in the Human Gene Mutation Database (HGMD: prior to June 1st, 2018), and was therefore a candidate for classification through an automated scoring system. Utilizing variant allele frequency, disease prevalence and penetrance estimates, and inheritance mode, an automated score was calculated to assess if this variant is too frequent to cause the disease. Based on the score and internal cut-off values, a variant classified as benign is not then subjected to further curation. The score for this variant resulted in a classification of benign for this disease.

Illumina Laboratory Services, Illumina
Classification: Benign for Meckel syndrome, type 5. Last evaluated: 2018-01-12. Review status: criteria provided, single submitter. Criteria: ICSL Variant Classification Criteria 13 December 2019. Collection method: clinical testing. Allele origin: germline.
Comment: the same text as in the submission from Illumina Laboratory Services, Illumina above.

Illumina Laboratory Services, Illumina
Classification: Benign for Joubert syndrome 7. Last evaluated: 2018-01-12. Review status: criteria provided, single submitter. Criteria: ICSL Variant Classification Criteria 13 December 2019. Collection method: clinical testing. Allele origin: germline.
Comment: the same text as in the submission from Illumina Laboratory Services, Illumina above.

GeneDx
Classification: Benign. Last evaluated: 2014-02-27. Review status: criteria provided, single submitter. Criteria: GeneDx Variant Classification (06012015). Collection method: clinical testing. Allele origin: germline. Affected: yes.
Comment: This variant is considered likely benign or benign based on one or more of the following criteria: it is a conservative change, it occurs at a poorly conserved position in the protein, it is predicted to be benign by multiple in silico algorithms, and/or has population frequency not consistent with disease.

Breakthrough Genomics
Classification: Benign. Review status: criteria provided, single submitter. Criteria: ACMG Guidelines, 2015. Collection method: not provided. Allele origin: germline. Inheritance: Autosomal recessive inheritance. Affected: yes.

PreventionGenetics, part of Exact Sciences
Classification: Benign. Review status: criteria provided, single submitter. Criteria: ACMG Guidelines, 2015. Collection method: clinical testing. Allele origin: germline.

Genetic Services Laboratory, University of Chicago
Classification: Likely benign for AllHighlyPenetrant. Review status: no assertion criteria provided. Collection method: clinical testing. Allele origin: germline. Inheritance: Autosomal recessive inheritance. Observed: 103 variant alleles. Not counted in ClinVar's aggregate classification.
Comment: Likely benign based on allele frequency in 1000 Genomes Project or ESP global frequency and its presence in a patient with a rare or unrelated disease phenotype. NOT Sanger confirmed.